The following is an entry in ClinVar:

ClinVar aggregate classification (germline): Uncertain significance (1 of 4 stars; one submission).

Conditions:
Walker-Warburg congenital muscular dystrophy. Also called: Muscular dystrophy-dystroglycanopathy, type A; Walker-Warburg syndrome. Identifiers: Orphanet 899, MedGen C0265221, MONDO:0000171.

gnomAD v4.1: 1 of 1,613,262 alleles (0.000062%); highest among the groups gnomAD compares: South Asian, 0.0011%; no homozygotes.

Submission:

Labcorp Genetics (formerly Invitae), Labcorp
Classification: Uncertain significance for Walker-Warburg congenital muscular dystrophy. Last evaluated: 2022-11-15. Review status: criteria provided, single submitter. Criteria: Invitae Variant Classification Sherloc (09022015). Collection method: clinical testing. Allele origin: germline.
Comment: Advanced modeling of protein sequence and biophysical properties (such as structural, functional, and spatial information, amino acid conservation, physicochemical variation, residue mobility, and thermodynamic stability) has been performed at Invitae for this missense variant, however the output from this modeling did not meet the statistical confidence thresholds required to predict the impact of this variant on FKRP protein function. ClinVar contains an entry for this variant (Variation ID: 1386393). This variant has not been reported in the literature in individuals affected with FKRP-related conditions. This variant is not present in population databases (gnomAD no frequency). This sequence change replaces glutamic acid, which is acidic and polar, with glutamine, which is neutral and polar, at codon 395 of the FKRP protein (p.Glu395Gln). In summary, the available evidence is currently insufficient to determine the role of this variant in disease. Therefore, it has been classified as a Variant of Uncertain Significance.

NM_024301.5(FKRP):c.1183G>C (p.Glu395Gln)

Gene: FKRP (fukutin related protein; plus strand). Cytogenetic location: 19q13.32.
Variant type: single nucleotide variant.
Coding change: c.1183G>C on transcript NM_024301.5 (MANE Select); coding-DNA position 1183, G replaced by C.
Protein change: p.Glu395Gln; replaces glutamic acid 395 with glutamine.
Molecular consequence: missense variant.
Genome position (GRCh38, 1-based): chr19:46,756,633, G>C. VCF-style: chr19-46756633-G-C. GRCh37 (hg19) VCF-style: chr19-47259890-G-C.
Other names: c.1183G>C, p.Glu395Gln (NM_001039885.3); short protein forms E395Q.
Identifiers: ClinVar variation 1386393 (VCV001386393.6), dbSNP rs762944990, ClinGen allele CA406496813.
Genomic context (GRCh38, chr19:46,756,633, plus strand): 5'-TGCGAGCAGCTGCGGGGGGCAGAGGCCGGCTCGGTGGTGGATGAGCGCGGCTTCGTATGG[G>C]AGAAGGCGGTCGAGGGCGACTTTTTCCGCGTGCAGTACAGCGAAAGCAACCACTTGCACG-3'
Protein context (NP_077277.1, residues 385-405): SVVDERGFVW[Glu395Gln]KAVEGDFFRV